The following is an entry in ClinVar:

NM_024426.6(WT1):c.741C>T (p.His247=)

Gene: WT1 (WT1 transcription factor; minus strand). Cytogenetic location: 11p13.
Variant type: single nucleotide variant.
Coding change: c.741C>T on transcript NM_024426.6 (MANE Select); coding-DNA position 741, C replaced by T.
Protein change: p.His247=; no amino-acid change (histidine 247 retained).
Molecular consequence: synonymous variant. On other transcripts: 5 prime UTR variant (1), non-coding transcript variant (2), intron variant (2).
Genome position (GRCh38, 1-based): chr11:32,428,540, G>A on the plus strand (C>T on the coding strand, the complement: WT1 is on the minus strand). VCF-style: chr11-32428540-G-A. GRCh37 (hg19) VCF-style: chr11-32450086-G-A.
Other names: c.741C>T, p.His247= (NM_000378.6, NM_001407044.1, NM_001407045.1 and 4 more transcripts); c.90C>T, p.His30= (NM_001198551.2, NM_001198552.2); c.-22C>T (NM_001407051.1); c.726C>T, p.His242= (NM_024425.2); c.662-482C>T (NM_001407050.1, NM_001407047.1).
Identifiers: ClinVar variation 707284 (VCV000707284.15), dbSNP rs1050903370, ClinGen allele CA219503525.

ClinVar aggregate classification (germline): Likely benign. Review status: criteria provided, multiple submitters, no conflicts (2 of 4 stars). 4 submissions from 4 submitters: Likely benign (4). Last evaluated 2025-06-13.

Conditions:
Frasier syndrome. Identifiers: Orphanet 347, MedGen C0950122, MeSH D052159, MONDO:0007635, OMIM 136680.
Drash syndrome (DDS). Also called: WILMS TUMOR AND PSEUDO- OR TRUE HERMAPHRODITISM; NEPHROPATHY, WILMS TUMOR, AND GENITAL ANOMALIES. Identifiers: Orphanet 220, MedGen C0950121, MONDO:0008682, OMIM 194080.
Wilms tumor 1 (WT1). Also called: Wilms tumor, somatic. Identifiers: Orphanet 654, MedGen CN033288, MONDO:0008679, OMIM 194070.
11p partial monosomy syndrome (WAGR). Also called: WAGR syndrome; WAGR Complex; WAGR Spectrum Disorder; CHROMOSOME 11p13 DELETION SYNDROME. Identifiers: Orphanet 893, MedGen C0206115, MONDO:0008681, OMIM 194072.
Inborn genetic diseases. Identifiers: MedGen C0950123, MeSH D030342.

Allele frequency attached by ClinVar (database versions not stated): gnomAD exomes below 0.00001; gnomAD 0.00001; TOPMed 0.00002.
gnomAD v4.1: 3 of 1,614,048 alleles (0.00019%); highest among the groups gnomAD compares: African/African-American, 0.004%; no homozygotes.

Submissions (4):

Ambry Genetics
Classification: Likely benign for Inborn genetic diseases. Last evaluated: 2025-06-13. Review status: criteria provided, single submitter. Criteria: Ambry Variant Classification Scheme 2023. Collection method: clinical testing. Allele origin: germline.

Labcorp Genetics (formerly Invitae), Labcorp
Classification: Likely benign for Wilms tumor 1; Drash syndrome; 11p partial monosomy syndrome; Frasier syndrome. Last evaluated: 2024-04-05. Review status: criteria provided, single submitter. Criteria: Invitae Variant Classification Sherloc (09022015). Collection method: clinical testing. Allele origin: germline.

All of Us Research Program, National Institutes of Health
Classification: Likely benign for Wilms tumor 1. Last evaluated: 2024-03-14. Review status: criteria provided, single submitter. Criteria: ACMG Guidelines, 2015. Collection method: clinical testing. Allele origin: germline. Inheritance: Autosomal dominant inheritance. Observed: 1 variant allele, 1 heterozygote.
Comment: This study involves interpretation of variants in research participants for the purpose of population health screening. Participant phenotype was not available at the time of variant classification. Additional details can be found in publication PMID: 35346344, PMCID: PMC8962531

Color Diagnostics, LLC DBA Color Health
Classification: Likely benign for Wilms tumor 1. Last evaluated: 2023-10-30. Review status: criteria provided, single submitter. Criteria: ACMG Guidelines, 2015. Collection method: clinical testing. Allele origin: germline.